The following is an entry in ClinVar:

NM_000073.3(CD3G):c.71C>G (p.Ser24Ter)

Gene: CD3G (CD3 gamma subunit of T-cell receptor complex; plus strand). Cytogenetic location: 11q23.3.
Variant type: single nucleotide variant.
Coding change: c.71C>G on transcript NM_000073.3 (MANE Select); coding-DNA position 71, C replaced by G.
Protein change: p.Ser24Ter; replaces serine 24 with a stop codon.
Molecular consequence: nonsense.
Genome position (GRCh38, 1-based): chr11:118,349,042, C>G. VCF-style: chr11-118349042-C-G. GRCh37 (hg19) VCF-style: chr11-118219757-C-G.
Other names: short protein forms S24*.
Identifiers: ClinVar variation 1452317 (VCV001452317.6), dbSNP rs2134068305, ClinGen allele CA382792186.

ClinVar aggregate classification (germline): Pathogenic (1 of 4 stars; one submission).

Conditions:
Combined immunodeficiency due to CD3gamma deficiency. Also called: CD3-GAMMA DEFICIENCY; SCID-LIKE IMMUNODEFICIENCY, T CELL-PARTIAL, B CELL-POSITIVE, NK CELL-POSITIVE; Immunodeficiency 17; Immunodeficiency 17, CD3 gamma deficient. Identifiers: Orphanet 169082, MedGen C3810107, MONDO:0014276, OMIM 615607.

Submission:

Labcorp Genetics (formerly Invitae), Labcorp
Classification: Pathogenic for Combined immunodeficiency due to CD3gamma deficiency. Last evaluated: 2021-01-30. Review status: criteria provided, single submitter. Criteria: Invitae Variant Classification Sherloc (09022015). Collection method: clinical testing. Allele origin: germline.
Comment: For these reasons, this variant has been classified as Pathogenic. This variant has not been reported in the literature in individuals with CD3G-related conditions. This variant is not present in population databases (ExAC no frequency). This sequence change creates a premature translational stop signal (p.Ser24*) in the CD3G gene. It is expected to result in an absent or disrupted protein product. Loss-of-function variants in CD3G are known to be pathogenic (PMID: 1635567, 17277165, 24910257).

Literature cited by the submitters: PubMed 1635567; PubMed 17277165; PubMed 24910257.